The following is an entry in ClinVar:

ClinVar aggregate classification (germline): Pathogenic (1 of 4 stars; one submission).

Conditions:
Fabry disease. Also called: ALPHA-GALACTOSIDASE A DEFICIENCY; ANDERSON-FABRY DISEASE; CERAMIDE TRIHEXOSIDASE DEFICIENCY; GLA DEFICIENCY; HEREDITARY DYSTOPIC LIPIDOSIS; Angiokeratoma corporis diffusum. Identifiers: Orphanet 324, MedGen C0002986, MONDO:0010526, OMIM 301500, HP:0001071. Disease mechanism: Fabry disease is due to inactivating mutations in the X-linked GLA gene resulting in deficiency of the enzyme Alpha Galactosidase-A., loss of function.

Submission:

Genomenon, Inc
Classification: Pathogenic for Fabry disease. Last evaluated: 2026-09-08. Review status: criteria provided, single submitter. Criteria: Genomenon Sequence Variant Interpretation Standards - Updated. Collection method: curation. Allele origin: germline. Affected: yes.
Comment: GLA p.Gln333ProfsTer6 (c.997dup) is a frameshift variant that is predicted to introduce a premature termination codon and result in a truncated or absent protein product. This variant has been observed in at least one proband with clinical features consistent with Fabry disease (PMID:16595074). It is absent or not present at a significant frequency in gnomAD. In conclusion, we classify GLA p.Gln333ProfsTer6 (c.997dup) as a pathogenic variant.

Literature cited by the submitters: PubMed 16595074.

NM_000169.3(GLA):c.997dup (p.Gln333fs)

Genes: GLA (galactosidase alpha; minus strand), RPL36A-HNRNPH2 (RPL36A-HNRNPH2 readthrough; plus strand). Cytogenetic location: Xq22.1.
Variant type: Duplication.
Coding change: c.997dup on transcript NM_000169.3 (MANE Select); coding-DNA position 997, one base duplicated (C; older notation c.997dupC).
Protein change: p.Gln333fs; shifts the reading frame from glutamine 333.
Molecular consequence: frameshift variant. On other transcripts: non-coding transcript variant (3), intron variant (2).
Genome position (GRCh38, 1-based): chrX:101,398,372, G duplicated on the plus strand (C on the coding strand, the reverse complement: GLA is on the minus strand). VCF-style (leftmost placement, unchanged base first): chrX-101398371-T-TG. GRCh37 (hg19) VCF-style: chrX-100653359-T-TG.
Other names: c.1120dup, p.Gln374fs (NM_001406747.1); c.997dup, p.Gln333fs (NM_001406748.1); c.300+2915dup (NM_001199973.2); c.177+6550dup (NM_001199974.2); short protein forms Q333fs, Q374fs.
Identifiers: ClinVar variation 4087036 (VCV004087036.2).
Genomic context (GRCh38, chrX:101,398,371, plus strand): 5'-CCAAGACAAAGTTGGTATTGGGTATATAAAGCCATCTTAAAATATATACTCTTATTTACC[T>TG]GTCTAAGCTGGTACCCTTGCTTGCCCAAGGGGTCCTGATTGATGGCAATTACGTCCTTAT-3'